The following is an entry in ClinVar:

NM_024818.6(UBA5):c.769A>G (p.Thr257Ala)

Genes: NPHP3-ACAD11 (NPHP3-ACAD11 readthrough (NMD candidate); minus strand), UBA5 (ubiquitin like modifier activating enzyme 5; plus strand). Cytogenetic location: 3q22.1.
Variant type: single nucleotide variant.
Coding change: c.769A>G on transcript NM_024818.6 (MANE Select); coding-DNA position 769, A replaced by G.
Protein change: p.Thr257Ala; replaces threonine 257 with alanine.
Molecular consequence: missense variant.
Genome position (GRCh38, 1-based): chr3:132,672,134, A>G. VCF-style: chr3-132672134-A-G. GRCh37 (hg19) VCF-style: chr3-132390978-A-G.
Other names: c.601A>G, p.Thr201Ala (NM_001320210.2, NM_198329.4); c.499A>G, p.Thr167Ala (NM_001321238.2); c.433A>G, p.Thr145Ala (NM_001321239.1); short protein forms T145A, T167A, T201A, T257A.
Identifiers: ClinVar variation 4884490 (VCV004884490.1).

ClinVar aggregate classification (germline): Uncertain significance (1 of 4 stars; one submission).

Conditions:
Developmental and epileptic encephalopathy, 44 (DEE44). Also called: Epileptic encephalopathy, early infantile, 44. Identifiers: MedGen C4310700, MONDO:0014933, OMIM 617132.
Spinocerebellar ataxia, autosomal recessive 24 (SCAR24). Identifiers: MedGen C4310699, MONDO:0014934, OMIM 617133.

Submission:

Diagnostics Services (NGS), CSIR - Centre For Cellular And Molecular Biology
Classification: Uncertain significance for Developmental and epileptic encephalopathy, 44; Spinocerebellar ataxia, autosomal recessive 24. Last evaluated: 2026-06-11. Review status: criteria provided, single submitter. Criteria: ACMG Guidelines, 2015. Collection method: clinical testing. Allele origin: germline. Affected: no. Observed: 1 variant allele, 1 heterozygote.